The following is an entry in ClinVar:

NM_004999.4(MYO6):c.3851dup (p.Leu1284fs)

Gene: MYO6 (myosin VI; plus strand). Cytogenetic location: 6q14.1.
Variant type: Duplication.
Coding change: c.3851dup on transcript NM_004999.4 (MANE Select); coding-DNA position 3851, one base duplicated (T; older notation c.3851dupT).
Protein change: p.Leu1284fs; shifts the reading frame from leucine 1284.
Molecular consequence: frameshift variant. On other transcripts: non-coding transcript variant (1).
Genome position (GRCh38, 1-based): chr6:75,915,005, T duplicated; the last of 2 consecutive T bases (chr6:75,915,004-75,915,005); duplicating either gives the same sequence. VCF-style (leftmost placement, unchanged base first): chr6-75915003-G-GT. GRCh37 (hg19) VCF-style: chr6-76624720-G-GT.
Other names: c.3782dup, p.Leu1261fs (NM_001300899.2); c.3755dup, p.Leu1252fs (NM_001368136.1); c.3812dup, p.Leu1271fs (NM_001368137.1); c.3767dup, p.Leu1256fs (NM_001368138.1); c.3878dup, p.Leu1293fs (NM_001368865.1); c.3851dup, p.Leu1284fs (NM_001368866.1); short protein forms L1261fs, L1252fs, L1256fs, L1293fs, L1271fs, L1284fs.
Identifiers: ClinVar variation 2043250 (VCV002043250.5), dbSNP rs775769373, ClinGen allele CA3897827.

ClinVar aggregate classification (germline): Uncertain significance. Review status: criteria provided, multiple submitters, no conflicts (2 of 4 stars). 2 submissions from 2 submitters: Uncertain significance (2). Last evaluated 2022-06-02.

Submissions (2):

Clinical Genetics Laboratory, Skane University Hospital Lund
Classification: Uncertain significance. Last evaluated: 2022-06-02. Review status: criteria provided, single submitter. Criteria: ACMG Guidelines, 2015. Collection method: clinical testing. Allele origin: germline. Affected: yes.

Labcorp Genetics (formerly Invitae), Labcorp
Classification: Uncertain significance. Last evaluated: 2022-03-02. Review status: criteria provided, single submitter. Criteria: Invitae Variant Classification Sherloc (09022015). Collection method: clinical testing. Allele origin: germline.
Comment: Algorithms developed to predict the effect of sequence changes on RNA splicing suggest that this variant may create or strengthen a splice site. This sequence change results in a frameshift in the MYO6 gene (p.Leu1284Phefs*39). While this is not anticipated to result in nonsense mediated decay, it is expected to disrupt the last 2 amino acid(s) of the MYO6 protein and extend the protein by 36 additional amino acid residues. This variant is present in population databases (rs775769373, gnomAD 0.01%). This variant has not been reported in the literature in individuals affected with MYO6-related conditions. In summary, the available evidence is currently insufficient to determine the role of this variant in disease. Therefore, it has been classified as a Variant of Uncertain Significance.